The following is an entry in ClinVar:

NM_000026.4(ADSL):c.947T>C (p.Met316Thr)

Gene: ADSL (adenylosuccinate lyase; plus strand). Cytogenetic location: 22q13.1.
Variant type: single nucleotide variant.
Coding change: c.947T>C on transcript NM_000026.4 (MANE Select); coding-DNA position 947, T replaced by C.
Protein change: p.Met316Thr; replaces methionine 316 with threonine.
Molecular consequence: missense variant. On other transcripts: non-coding transcript variant (1).
Genome position (GRCh38, 1-based): chr22:40,361,572, T>C. VCF-style: chr22-40361572-T-C. GRCh37 (hg19) VCF-style: chr22-40757576-T-C.
Other names: c.947T>C, p.Met316Thr (NM_001123378.3, NM_001363840.3, NM_001410812.1 and 1 more transcripts); c.755T>C, p.Met252Thr (NM_001317923.2); c.902T>C, p.Met301Thr (NM_001410814.1); short protein forms M316T, M252T, M301T.
Identifiers: ClinVar variation 3720029 (VCV003720029.2).
Genomic context (GRCh38, chr22:40,361,572, plus strand): 5'-GGAATCCCATGCGTTCAGAACGTTGCTGCAGTCTTGCCCGCCACCTGATGACCCTTGTCA[T>C]GGACCCGCTACAGACAGCATCTGTCCAGTGGTTTGAACGCACACTGGATGATAGTGCCAA-3'
Protein context (NP_000017.1, residues 306-326): SLARHLMTLV[Met316Thr]DPLQTASVQW

ClinVar aggregate classification (germline): Uncertain significance (1 of 4 stars; one submission).

Conditions:
Adenylosuccinate lyase deficiency (ADSLD). Also called: ADSL DEFICIENCY. Identifiers: Orphanet 46, MedGen C0268126, MONDO:0007068, OMIM 103050.

Submission:

Labcorp Genetics (formerly Invitae), Labcorp
Classification: Uncertain significance for Adenylosuccinate lyase deficiency. Last evaluated: 2024-07-20. Review status: criteria provided, single submitter. Criteria: Invitae Variant Classification Sherloc (09022015). Collection method: clinical testing. Allele origin: germline.
Comment: This sequence change replaces methionine, which is neutral and non-polar, with threonine, which is neutral and polar, at codon 316 of the ADSL protein (p.Met316Thr). This variant is not present in population databases (gnomAD no frequency). This missense change has been observed in individual(s) with adenylosuccinate lyase deficiency (PMID: 27504266). Advanced modeling of protein sequence and biophysical properties (such as structural, functional, and spatial information, amino acid conservation, physicochemical variation, residue mobility, and thermodynamic stability) performed at Invitae indicates that this missense variant is not expected to disrupt ADSL protein function with a negative predictive value of 80%. In summary, the available evidence is currently insufficient to determine the role of this variant in disease. Therefore, it has been classified as a Variant of Uncertain Significance.

Literature cited by the submitters: PubMed 27504266.